The following is an entry in ClinVar:

ClinVar aggregate classification (germline): Likely benign. Review status: criteria provided, multiple submitters, no conflicts (2 of 4 stars). 2 submissions from 2 submitters: Likely benign (2). Last evaluated 2024-02-05.

Conditions:
Malignant hyperthermia, susceptibility to, 1 (MHS1). Also called: Malignant hyperthermia suceptibility 1; Anesthesia related hyperthermia; Malignant hyperpyrexia; Fulminating hyperpyrexia; Pharmacogenic myopathy; RYR1-Related Malignant Hyperthermia Susceptibility. Identifiers: Orphanet 423, MedGen C2930980, MONDO:0007783, OMIM 145600.
RYR1-related disorder. Also called: RYR1-related condition; RYR1-related disorders. Identifiers: MedGen CN239331.

Allele frequency attached by ClinVar (database versions not stated): gnomAD exomes below 0.00001; TOPMed below 0.00001.
gnomAD v4.1: 1 of 1,613,990 alleles (0.000062%); highest among the groups gnomAD compares: Non-Finnish European, 0.000085%; no homozygotes.

Submissions (2):

All of Us Research Program, National Institutes of Health
Classification: Likely benign for Malignant hyperthermia, susceptibility to, 1. Last evaluated: 2024-02-05. Review status: criteria provided, single submitter. Criteria: ACMG Guidelines, 2015. Collection method: clinical testing. Allele origin: germline. Inheritance: Autosomal dominant inheritance. Observed: 1 variant allele, 1 heterozygote.
Comment: This study involves interpretation of variants in research participants for the purpose of population health screening. Participant phenotype was not available at the time of variant classification. Additional details can be found in publication PMID: 35346344, PMCID: PMC8962531

Labcorp Genetics (formerly Invitae), Labcorp
Classification: Likely benign for RYR1-related disorder. Last evaluated: 2023-07-07. Review status: criteria provided, single submitter. Criteria: Invitae Variant Classification Sherloc (09022015). Collection method: clinical testing. Allele origin: germline.

NM_000540.3(RYR1):c.477A>T (p.Gly159=)

Gene: RYR1 (ryanodine receptor 1; plus strand). Cytogenetic location: 19q13.2.
Variant type: single nucleotide variant.
Coding change: c.477A>T on transcript NM_000540.3 (MANE Select); coding-DNA position 477, A replaced by T.
Protein change: p.Gly159=; no amino-acid change (glycine 159 retained).
Molecular consequence: synonymous variant.
Genome position (GRCh38, 1-based): chr19:38,444,201, A>T. VCF-style: chr19-38444201-A-T. GRCh37 (hg19) VCF-style: chr19-38934841-A-T.
Other names: c.477A>T, p.Gly159= (NM_001042723.2).
Identifiers: ClinVar variation 2898797 (VCV002898797.4), dbSNP rs1011556378, ClinGen allele CA308111698.